The following is an entry in ClinVar:

NM_012233.3(RAB3GAP1):c.1499+20A>G

Gene: RAB3GAP1 (RAB3 GTPase activating protein catalytic subunit 1; plus strand). Cytogenetic location: 2q21.3.
Variant type: single nucleotide variant.
Coding change: c.1499+20A>G on transcript NM_012233.3 (MANE Select); 20 bases into the intron after coding-DNA position 1499, A replaced by G.
Molecular consequence: intron variant.
Genome position (GRCh38, 1-based): chr2:135,134,053, A>G. VCF-style: chr2-135134053-A-G. GRCh37 (hg19) VCF-style: chr2-135891623-A-G.
Other names: c.1499+20A>G (NM_001172435.2).
Identifiers: ClinVar variation 382134 (VCV000382134.1), dbSNP rs201303667, ClinGen allele CA1884853.

ClinVar aggregate classification (germline): Likely benign (1 of 4 stars; one submission).

Allele frequency attached by ClinVar (database versions not stated): ExAC 0.00004; gnomAD exomes 0.00004 and 0.00009; gnomAD 0.00005; TOPMed 0.00006; ESP Exome Variant Server 0.00023.
gnomAD v4.1: 134 of 1,612,792 alleles (0.0083%); highest among the groups gnomAD compares: Non-Finnish European, 0.011%; no homozygotes.

Submission:

GeneDx
Classification: Likely benign. Last evaluated: 2016-07-26. Review status: criteria provided, single submitter. Criteria: GeneDx Variant Classification (06012015). Collection method: clinical testing. Allele origin: germline. Affected: yes.
Comment: This variant is considered likely benign or benign based on one or more of the following criteria: it is a conservative change, it occurs at a poorly conserved position in the protein, it is predicted to be benign by multiple in silico algorithms, and/or has population frequency not consistent with disease.